The following is an entry in ClinVar:

ClinVar aggregate classification (germline): Benign. Review status: criteria provided, multiple submitters, no conflicts (2 of 4 stars). 2 submissions from 2 submitters: Benign (2). Last evaluated 2018-06-19.

Allele frequency attached by ClinVar (database versions not stated): gnomAD exomes 0.00517; gnomAD 0.03662 and 0.03885; 1000 Genomes Project 0.04000; 1000 Genomes Project 30x 0.04121; TOPMed 0.04259.
gnomAD v4.1: 6,111 of 487,201 alleles (1.3%); highest among the groups gnomAD compares: African/African-American, 12%; 252 homozygotes.

Submissions (2):

GeneDx
Classification: Benign. Last evaluated: 2018-06-19. Review status: criteria provided, single submitter. Criteria: GeneDx Variant Classification (06012015). Collection method: clinical testing. Allele origin: germline. Affected: yes.
Comment: This variant is considered likely benign or benign based on one or more of the following criteria: it is a conservative change, it occurs at a poorly conserved position in the protein, it is predicted to be benign by multiple in silico algorithms, and/or has population frequency not consistent with disease.

Breakthrough Genomics
Classification: Benign. Review status: criteria provided, single submitter. Criteria: ACMG Guidelines, 2015. Collection method: not provided. Allele origin: germline. Inheritance: X-linked inheritance. Affected: yes.

NM_000252.3(MTM1):c.342+106C>G

Gene: MTM1 (myotubularin 1; plus strand). Cytogenetic location: Xq28.
Variant type: single nucleotide variant.
Coding change: c.342+106C>G on transcript NM_000252.3 (MANE Select); 106 bases into the intron after coding-DNA position 342, C replaced by G.
Molecular consequence: intron variant.
Genome position (GRCh38, 1-based): chrX:150,614,805, C>G. VCF-style: chrX-150614805-C-G. GRCh37 (hg19) VCF-style: chrX-149783278-C-G.
Other names: c.342+106C>G (NM_001376908.1, NM_001376906.1); c.232-4233C>G (NM_001376907.1).
Identifiers: ClinVar variation 678679 (VCV000678679.2), dbSNP rs222394, ClinGen allele CA337090994.
Genomic context (GRCh38, chrX:150,614,805, plus strand): 5'-TGTTGAATGATAGTAGACAATTAATGTGGATTTGAAAAAAAAAAATCAAAATCTCATGTT[C>G]ATCTAAGGCCCTGGAAATGGTTCTTCCCTTAAGAACAAGCTTTTCAAAAGTGCCTGGGAA-3'